The following is an entry in ClinVar:

NM_004722.4(AP4M1):c.1084C>T (p.Arg362Cys)

Gene: AP4M1 (adaptor related protein complex 4 subunit mu 1; plus strand). Cytogenetic location: 7q22.1.
Variant type: single nucleotide variant.
Coding change: c.1084C>T on transcript NM_004722.4 (MANE Select); coding-DNA position 1084, C replaced by T.
Protein change: p.Arg362Cys; replaces arginine 362 with cysteine.
Molecular consequence: missense variant.
Genome position (GRCh38, 1-based): chr7:100,106,461, C>T. VCF-style: chr7-100106461-C-T. GRCh37 (hg19) VCF-style: chr7-99704084-C-T.
Other names: c.1105C>T, p.Arg369Cys (NM_001363671.2); short protein forms R362C, R369C.
Identifiers: ClinVar variation 2416438 (VCV002416438.3), dbSNP rs1361600060, ClinGen allele CA368475351.

ClinVar aggregate classification (germline): Uncertain significance (1 of 4 stars; one submission).

Conditions:
Hereditary spastic paraplegia 50 (SPG50). Also called: Spastic paraplegia 50, autosomal recessive. Identifiers: Orphanet 280763, MedGen C2752008, MONDO:0013048, OMIM 612936.

Allele frequency attached by ClinVar (database versions not stated): gnomAD exomes 0.00001; TOPMed 0.00001.

Submission:

Labcorp Genetics (formerly Invitae), Labcorp
Classification: Uncertain significance for Hereditary spastic paraplegia 50. Last evaluated: 2022-05-25. Review status: criteria provided, single submitter. Criteria: Invitae Variant Classification Sherloc (09022015). Collection method: clinical testing. Allele origin: germline.
Comment: This sequence change replaces arginine, which is basic and polar, with cysteine, which is neutral and slightly polar, at codon 362 of the AP4M1 protein (p.Arg362Cys). This variant is not present in population databases (gnomAD no frequency). This variant has not been reported in the literature in individuals affected with AP4M1-related conditions. Algorithms developed to predict the effect of missense changes on protein structure and function are either unavailable or do not agree on the potential impact of this missense change (SIFT: "Deleterious"; PolyPhen-2: "Benign"; Align-GVGD: "Class C0"). In summary, the available evidence is currently insufficient to determine the role of this variant in disease. Therefore, it has been classified as a Variant of Uncertain Significance.